The following is an entry in ClinVar:

NM_002473.6(MYH9):c.491-7G>A

Gene: MYH9 (myosin heavy chain 9; minus strand). Cytogenetic location: 22q12.3.
Variant type: single nucleotide variant.
Coding change: c.491-7G>A on transcript NM_002473.6 (MANE Select); 7 bases into the intron before coding-DNA position 491, G replaced by A.
Molecular consequence: intron variant.
Genome position (GRCh38, 1-based): chr22:36,327,495, C>T on the plus strand (G>A on the coding strand, the complement: MYH9 is on the minus strand). VCF-style: chr22-36327495-C-T. GRCh37 (hg19) VCF-style: chr22-36723540-C-T.
Other names: c.491-7G>A (NM_002473.5).
Identifiers: ClinVar variation 164466 (VCV000164466.15), dbSNP rs200059134, ClinGen allele CA177160.

ClinVar aggregate classification (germline): Conflicting classifications of pathogenicity. Review status: criteria provided, conflicting classifications (1 of 4 stars). 3 submissions from 3 submitters: Uncertain significance (1); Likely benign (1). 1 of the submissions does not count toward it. Last evaluated 2024-10-06.

Conditions:
MYH9-related disorder. Identifiers: MedGen C1854520.

Allele frequency attached by ClinVar (database versions not stated): ExAC 0.00002; gnomAD 0.00002; TOPMed 0.00004; gnomAD exomes 0.00005; ESP Exome Variant Server 0.00008.
gnomAD v4.1: 80 of 1,613,878 alleles (0.005%); highest among the groups gnomAD compares: Non-Finnish European, 0.0064%; no homozygotes.

Submissions (3):

Labcorp Genetics (formerly Invitae), Labcorp
Classification: Likely benign. Last evaluated: 2024-10-06. Review status: criteria provided, single submitter. Criteria: Invitae Variant Classification Sherloc (09022015). Collection method: clinical testing. Allele origin: germline.

Laboratory for Molecular Medicine, Mass General Brigham Personalized Medicine
Classification: Uncertain significance. Last evaluated: 2014-12-24. Review status: criteria provided, single submitter. Criteria: LMM Criteria. Collection method: clinical testing. Allele origin: germline. Observed: 3 variant alleles.
Comment: Variant classified as Uncertain Significance - Favor Benign. The c.491-7G>A vari ant in MYH9 has been identified by our laboratory in two affected siblings from one family with hearing loss; however the pattern of inheritance for the hearing loss in this family remains unclear. The variant has also been identified in 3/ 67612 European chromosomes by the Exome Aggregation Consortium (ExAC; dbSNP rs200059134). Although this variant has been seen i n the general population, its frequency is not high enough to rule out a pathoge nic role. The c.491-7G>A variant is located in the 3' splice region, but it is n ot located in the invariant -1 and -2 positions and computational tools do not s uggest an impact to splicing. However, this information is not predictive enough to rule out pathogenicity. In summary, while the clinical significance of the c .491-7G>A variant is uncertain, these data suggest that it is more likely to be benign.

PreventionGenetics, part of Exact Sciences
Classification: Likely benign for MYH9-related condition. Last evaluated: 2019-07-15. Review status: no assertion criteria provided. Collection method: clinical testing. Allele origin: germline. Not counted in ClinVar's aggregate classification.
Comment: This variant is classified as likely benign based on ACMG/AMP sequence variant interpretation guidelines (Richards et al. 2015 PMID: 25741868, with internal and published modifications).